The following is an entry in ClinVar:

NM_000138.5(FBN1):c.7181G>A (p.Arg2394Gln)

Gene: FBN1 (fibrillin 1; minus strand). Cytogenetic location: 15q21.1.
Variant type: single nucleotide variant.
Coding change: c.7181G>A on transcript NM_000138.5 (MANE Select); coding-DNA position 7181, G replaced by A.
Protein change: p.Arg2394Gln; replaces arginine 2394 with glutamine.
Molecular consequence: missense variant.
Genome position (GRCh38, 1-based): chr15:48,427,590, C>T on the plus strand (G>A on the coding strand, the complement: FBN1 is on the minus strand). VCF-style: chr15-48427590-C-T. GRCh37 (hg19) VCF-style: chr15-48719787-C-T.
Other names: short protein forms R2394Q.
Identifiers: ClinVar variation 921089 (VCV000921089.36), dbSNP rs199750146, ClinGen allele CA057983.

ClinVar aggregate classification (germline): Conflicting classifications of pathogenicity. Review status: criteria provided, conflicting classifications (1 of 4 stars). 7 submissions from 7 submitters: Uncertain significance (5); Likely benign (2). Last evaluated 2024-05-14.

Conditions:
Marfan syndrome (MFS). Also called: Marfan syndrome type 1; Marfan's syndrome; FBN1-Related Marfan Syndrome; MARFAN SYNDROME, TYPE I; Marfan syndrome, classic. Identifiers: Orphanet 284963, Orphanet 558, MedGen C0024796, MONDO:0007947, OMIM 154700.
Familial thoracic aortic aneurysm and aortic dissection (TAAD). Also called: Thoracic aortic aneurysms and dissections. Identifiers: Orphanet 91387, MedGen C4707243, MONDO:0019625.
Ectopia lentis 1, isolated, autosomal dominant (ECTOL1). Identifiers: Orphanet 1885, MedGen C3541518, MONDO:0007514, OMIM 129600.
Stiff skin syndrome (SSKS). Identifiers: Orphanet 2833, MedGen C1861456, MONDO:0008492, OMIM 184900.
MASS syndrome (OCTD). Also called: MASS PHENOTYPE; OVERLAP CONNECTIVE TISSUE DISEASE. Identifiers: MedGen C1858556, MONDO:0011431, OMIM 604308.
Acromicric dysplasia (ACMICD). Also called: Acromicric skeletal dysplasia. Identifiers: Orphanet 969, MedGen C0265287, MONDO:0007055, OMIM 102370.
Weill-Marchesani syndrome 2, dominant. Also called: Weill-Marchesani Syndrome, Autosomal Dominant; FBN1-Related Weill-Marchesani Syndrome. Identifiers: Orphanet 2084, MedGen C1869115, MONDO:0012013, OMIM 608328.
Geleophysic dysplasia 2 (GPHYSD2). Identifiers: Orphanet 2623, MedGen C3280054, MONDO:0013612, OMIM 614185.
Progeroid and marfanoid aspect-lipodystrophy syndrome. Also called: MARFANOID-PROGEROID SYNDROME; MARFAN-PROGEROID-LIPODYSTROPHY SYNDROME; Marfan lipodystrophy syndrome; MARFANOID-PROGEROID-LIPODYSTROPHY SYNDROME. Identifiers: Orphanet 300382, MedGen C4310796, MONDO:0014831, OMIM 616914.

Allele frequency attached by ClinVar (database versions not stated): TOPMed below 0.00001; gnomAD exomes 0.00001; ExAC 0.00002.

Submissions (7):

Labcorp Genetics (formerly Invitae), Labcorp
Classification: Likely benign for Marfan syndrome; Familial thoracic aortic aneurysm and aortic dissection. Last evaluated: 2024-05-14. Review status: criteria provided, single submitter. Criteria: Invitae Variant Classification Sherloc (09022015). Collection method: clinical testing. Allele origin: germline.

Women's Health and Genetics/Laboratory Corporation of America, LabCorp
Classification: Uncertain significance. Last evaluated: 2024-04-15. Review status: criteria provided, single submitter. Criteria: LabCorp Variant Classification Summary - May 2015. Collection method: clinical testing. Allele origin: germline.
Comment: Variant summary: FBN1 c.7181G>A (p.Arg2394Gln) results in a conservative amino acid change in the encoded protein sequence. Four of five in-silico tools predict a benign effect of the variant on protein function. The variant allele was found at a frequency of 8e-06 in 251064 control chromosomes. The available data on variant occurrences in the general population are insufficient to allow any conclusion about variant significance. To our knowledge, no occurrence of c.7181G>A in individuals affected with Marfan Syndrome and no experimental evidence demonstrating its impact on protein function have been reported. ClinVar contains an entry for this variant (Variation ID: 921089). Based on the evidence outlined above, the variant was classified as uncertain significance.

All of Us Research Program, National Institutes of Health
Classification: Uncertain significance for Marfan syndrome. Last evaluated: 2023-03-28. Review status: criteria provided, single submitter. Criteria: ACMG Guidelines, 2015. Collection method: clinical testing. Allele origin: germline. Inheritance: Autosomal dominant inheritance. Observed: 1 variant allele, 1 heterozygote.
Comment: This missense variant replaces arginine with glutamine at codon 2394 of the FBN1 protein. Computational prediction suggests that this variant may not impact protein structure and function (internally defined REVEL score threshold <= 0.5, PMID: 27666373). Splice site prediction tools suggest that this variant may not impact RNA splicing. To our knowledge, functional studies have not been performed for this variant. This variant has not been reported in individuals affected with cardiovascular disorders in the literature. This variant has been identified in 2/251064 chromosomes in the general population by the Genome Aggregation Database (gnomAD). The available evidence is insufficient to determine the role of this variant in disease conclusively. Therefore, this variant is classified as a Variant of Uncertain Significance.

This study involves interpretation of variants in research participants for the purpose of population health screening. Participant phenotype was not available at the time of variant classification. Additional details can be found in publication PMID: 35346344, PMCID: PMC8962531

CeGaT Center for Human Genetics Tuebingen
Classification: Likely benign. Last evaluated: 2023-02-01. Review status: criteria provided, single submitter. Criteria: CeGaT Center For Human Genetics Tuebingen Variant Classification Criteria Version 2. Collection method: clinical testing. Allele origin: germline. Affected: yes. Observed: 1 variant allele.
Comment: FBN1: PP2, BS2

Blueprint Genetics
Classification: Uncertain significance. Last evaluated: 2022-04-21. Review status: criteria provided, single submitter. Criteria: ACMG Guidelines, 2015. Collection method: clinical testing. Allele origin: germline.

Fulgent Genetics
Classification: Uncertain significance for Acromicric dysplasia; Ectopia lentis 1, isolated, autosomal dominant; Marfan syndrome; Stiff skin syndrome; MASS syndrome; Weill-Marchesani syndrome 2, dominant; Geleophysic dysplasia 2; Progeroid and marfanoid aspect-lipodystrophy syndrome. Last evaluated: 2021-10-20. Review status: criteria provided, single submitter. Criteria: ACMG Guidelines, 2015. Collection method: clinical testing. Allele origin: unknown.

Color Diagnostics, LLC DBA Color Health
Classification: Uncertain significance for Familial thoracic aortic aneurysm and aortic dissection. Last evaluated: 2021-09-21. Review status: criteria provided, single submitter. Criteria: ACMG Guidelines, 2015. Collection method: clinical testing. Allele origin: germline.
Comment: This missense variant replaces arginine with glutamine at codon 2394 of the FBN1 protein. Computational prediction suggests that this variant may not impact protein structure and function (internally defined REVEL score threshold <= 0.5, PMID: 27666373). Splice site prediction tools suggest that this variant may not impact RNA splicing. To our knowledge, functional studies have not been performed for this variant. This variant has not been reported in individuals affected with cardiovascular disorders in the literature. This variant has been identified in 2/251064 chromosomes in the general population by the Genome Aggregation Database (gnomAD). The available evidence is insufficient to determine the role of this variant in disease conclusively. Therefore, this variant is classified as a Variant of Uncertain Significance.